The following is an entry in ClinVar:

ClinVar aggregate classification (germline): Uncertain significance (1 of 4 stars; one submission).

Submission:

Labcorp Genetics (formerly Invitae), Labcorp
Classification: Uncertain significance. Last evaluated: 2021-07-01. Review status: criteria provided, single submitter. Criteria: Invitae Variant Classification Sherloc (09022015). Collection method: clinical testing. Allele origin: germline.
Comment: This variant has not been reported in the literature in individuals affected with TTLL5-related conditions. This variant is not present in population databases (ExAC no frequency). This variant, c.2319_2321del, results in the deletion of 1 amino acid(s) of the TTLL5 protein (p.Lys774del), but otherwise preserves the integrity of the reading frame. Experimental studies and prediction algorithms are not available or were not evaluated, and the functional significance of this variant is currently unknown. In summary, the available evidence is currently insufficient to determine the role of this variant in disease. Therefore, it has been classified as a Variant of Uncertain Significance.

NM_015072.5(TTLL5):c.2316GAA[1] (p.Lys774del)

Gene: TTLL5 (tubulin tyrosine ligase like 5; plus strand). Cytogenetic location: 14q24.3.
Variant type: Microsatellite.
Coding change: c.2316GAA[1] on transcript NM_015072.5 (MANE Select); one copy of the 3-base unit GAA starting at c.2316; the reference has two copies in a row; one copy, 3 bases deleted.
Protein change: p.Lys774del; deletes lysine 774.
Molecular consequence: inframe deletion.
Genome position (GRCh38, 1-based): chr14:75,776,782-75,776,784, GAA deleted; deleting any 3 consecutive bases within chr14:75,776,777-75,776,784 gives the same sequence; the position shown is the placement nearest the transcript's 3' end. VCF-style (leftmost placement, unchanged base first): chr14-75776776-AAAG-A. GRCh37 (hg19) VCF-style: chr14-76243119-AAAG-A.
Other names: short protein forms K774del.
Identifiers: ClinVar variation 1365076 (VCV001365076.8), dbSNP rs2140319429, ClinGen allele CA2580613727.